The following is an entry in ClinVar:

NM_000660.7(TGFB1):c.433C>T (p.Pro145Ser)

Gene: TGFB1 (transforming growth factor beta 1; minus strand). Cytogenetic location: 19q13.2.
Variant type: single nucleotide variant.
Coding change: c.433C>T on transcript NM_000660.7 (MANE Select); coding-DNA position 433, C replaced by T.
Protein change: p.Pro145Ser; replaces proline 145 with serine.
Molecular consequence: missense variant.
Genome position (GRCh38, 1-based): chr19:41,348,378, G>A on the plus strand (C>T on the coding strand, the complement: TGFB1 is on the minus strand). VCF-style: chr19-41348378-G-A. GRCh37 (hg19) VCF-style: chr19-41854283-G-A.
Other names: short protein forms P145S.
Identifiers: ClinVar variation 1942676 (VCV001942676.5), dbSNP rs891939954, ClinGen allele CA308515376.
Genomic context (GRCh38, chr19:41,348,378, plus strand): 5'-CCACTTTTAACTTGAGCCTCAGCAGACGCAGCTCTGCCCGGGAGAGCAACACGGGTTCAG[G>A]TACCGCTTCTCGGAGCTCTGATGTGTTGAAGAACATATATATGCTGTGTGTACTCTGCTT-3'
Protein context (NP_000651.3, residues 135-155): FNTSELREAV[Pro145Ser]EPVLLSRAEL

ClinVar aggregate classification (germline): Uncertain significance (1 of 4 stars; one submission).

Allele frequency attached by ClinVar (database versions not stated): gnomAD 0.00001.

Submission:

Labcorp Genetics (formerly Invitae), Labcorp
Classification: Uncertain significance. Last evaluated: 2022-03-07. Review status: criteria provided, single submitter. Criteria: Invitae Variant Classification Sherloc (09022015). Collection method: clinical testing. Allele origin: germline.
Comment: This variant is present in population databases (no rsID available, gnomAD 0.01%). In summary, the available evidence is currently insufficient to determine the role of this variant in disease. Therefore, it has been classified as a Variant of Uncertain Significance. Algorithms developed to predict the effect of missense changes on protein structure and function output the following: SIFT: "Tolerated"; PolyPhen-2: "Benign"; Align-GVGD: "Class C0". The serine amino acid residue is found in multiple mammalian species, which suggests that this missense change does not adversely affect protein function. This variant has not been reported in the literature in individuals affected with TGFB1-related conditions. This sequence change replaces proline, which is neutral and non-polar, with serine, which is neutral and polar, at codon 145 of the TGFB1 protein (p.Pro145Ser).